The following is an entry in ClinVar:

ClinVar aggregate classification (germline): Likely benign (1 of 4 stars; one submission).

Conditions:
USP53-related disorder. Also called: USP53-related condition.

gnomAD v4.1: 6 of 1,613,426 alleles (0.00037%); highest among the groups gnomAD compares: South Asian, 0.0011%; no homozygotes.

Submission:

PreventionGenetics, part of Exact Sciences
Classification: Likely benign for USP53-related condition. Last evaluated: 2026-08-31. Review status: criteria provided, single submitter. Criteria: ACMG Guidelines, 2015. Collection method: clinical testing. Allele origin: germline.
Comment: This variant is classified as likely benign based on ACMG/AMP sequence variant interpretation guidelines (Richards et al. 2015 PMID: 25741868, with internal and published modifications).

NM_001371395.1(USP53):c.3151T>C (p.Leu1051=)

Gene: USP53 (ubiquitin specific peptidase 53; plus strand). Cytogenetic location: 4q26.
Variant type: single nucleotide variant.
Coding change: c.3151T>C on transcript NM_001371395.1 (MANE Select); coding-DNA position 3151, T replaced by C.
Protein change: p.Leu1051=; no amino-acid change (leucine 1051 retained).
Molecular consequence: synonymous variant. On other transcripts: 3 prime UTR variant (4).
Genome position (GRCh38, 1-based): chr4:119,293,140, T>C. VCF-style: chr4-119293140-T-C. GRCh37 (hg19) VCF-style: chr4-120214295-T-C.
Other names: c.2998T>C, p.Leu1000= (NM_001371396.1, NM_001389661.1); c.*651T>C (NM_001371397.1, NM_001371398.1, NM_001389666.1 and 1 more transcripts); c.3151T>C, p.Leu1051= (NM_001371399.1, NM_001389658.1, NM_001389659.1 and 1 more transcripts); c.3001T>C, p.Leu1001= (NM_001389660.1); c.2803T>C, p.Leu935= (NM_001389662.1, NM_001389663.1, NM_001389664.1); c.2650T>C, p.Leu884= (NM_001389665.1).
Identifiers: ClinVar variation 4978055 (VCV004978055.1).